The following is an entry in ClinVar:

ClinVar aggregate classification (germline): Uncertain significance (1 of 4 stars; one submission).

Conditions:
Developmental and epileptic encephalopathy, 9 (DEE9). Also called: EPILEPSY, FEMALE-RESTRICTED, WITH MENTAL RETARDATION; Early infantile epileptic encephalopathy 9; JUBERG-HELLMAN SYNDROME; PCDH19-Related X-Linked Female-Limited Epilepsy with Mental Retardation. Identifiers: Orphanet 101039, Orphanet 2076, MedGen C1848137, MONDO:0010246, OMIM 300088. Disease mechanism: loss of function.

Allele frequency attached by ClinVar (database versions not stated): gnomAD exomes below 0.00001.
gnomAD v4.1: 1 of 1,211,489 alleles (0.000083%); highest among the groups gnomAD compares: Non-Finnish European, 0.00011%; no homozygotes.

Submission:

Victorian Clinical Genetics Services, Murdoch Childrens Research Institute
Classification: Uncertain significance for Developmental and epileptic encephalopathy, 9. Last evaluated: 2022-06-24. Review status: criteria provided, single submitter. Criteria: ACMG Guidelines, 2015. Collection method: clinical testing. Allele origin: germline. Inheritance: X-linked inheritance. Affected: yes.
Comment: Based on the classification scheme VCGS_Germline_v1.3.4, this variant is classified as VUS-3C. Following criteria are met: 0102 - Loss of function is a known mechanism of disease in this gene and is associated with X-linked developmental and epileptic encephalopathy 9 (MIM#300088). (I) 0110 - This gene is associated with X-linked disease. Heterozygous females and mosaic males are affected, however hemizygous males do not present with symptoms (PMID: 28669061). (I) 0200 - Variant is predicted to result in a missense amino acid change from glycine to arginine. (I) 0251 - This variant is heterozygous. (I) 0301 - Variant is absent from gnomAD (both v2 and v3). (SP) 0501 - Missense variant consistently predicted to be damaging by multiple in silico tools or highly conserved with a major amino acid change. (SP) 0603 - Missense variant in a region that is highly intolerant to missense variation (high constraint region in DECIPHER). (SP) 0705 - No comparable missense variants have previous evidence for pathogenicity. (I) 0809 - Previous evidence of pathogenicity for this variant is inconclusive. This variant has been reported once as VUS in ClinVar. (I) 0906 - Segregation evidence for this variant is inconclusive. (I) 1007 - No published functional evidence has been identified for this variant. (I) Legend: (SP) - Supporting pathogenic, (I) - Information, (SB) - Supporting benign

Literature cited by the submitters: PubMed 28669061.

NM_001184880.2(PCDH19):c.475G>C (p.Gly159Arg)

Gene: PCDH19 (protocadherin 19; minus strand). Cytogenetic location: Xq22.1.
Variant type: single nucleotide variant.
Coding change: c.475G>C on transcript NM_001184880.2 (MANE Select); coding-DNA position 475, G replaced by C.
Protein change: p.Gly159Arg; replaces glycine 159 with arginine.
Molecular consequence: missense variant.
Genome position (GRCh38, 1-based): chrX:100,408,123, C>G on the plus strand (G>C on the coding strand, the complement: PCDH19 is on the minus strand). VCF-style: chrX-100408123-C-G. GRCh37 (hg19) VCF-style: chrX-99663121-C-G.
Other names: c.475G>C, p.Gly159Arg (NM_001105243.2, NM_020766.3); short protein forms G159R.
Identifiers: ClinVar variation 1805153 (VCV001805153.2), dbSNP rs2147541809, ClinGen allele CA414009546.